The following is an entry in ClinVar:

ClinVar aggregate classification (germline): Conflicting classifications of pathogenicity. Review status: criteria provided, conflicting classifications (1 of 4 stars). 2 submissions from 2 submitters: Uncertain significance (1); Likely benign (1). Last evaluated 2025-03-14.

Allele frequency attached by ClinVar (database versions not stated): gnomAD 0.00001; gnomAD exomes 0.00001; TOPMed 0.00001.
gnomAD v4.1: 20 of 1,613,350 alleles (0.0012%); highest among the groups gnomAD compares: Non-Finnish European, 0.0015%; no homozygotes.

Submissions (2):

Women's Health and Genetics/Laboratory Corporation of America, LabCorp
Classification: Uncertain significance. Last evaluated: 2025-03-14. Review status: criteria provided, single submitter. Criteria: LabCorp Variant Classification Summary - May 2015. Collection method: clinical testing. Allele origin: germline.
Comment: Variant summary: TTN c.70108T>A (p.Trp23370Arg) results in a non-conservative amino acid change in the encoded protein sequence. Four of four in-silico tools predict a damaging effect of the variant on protein function. The variant allele was found at a frequency of 1.2e-05 in 1613350 control chromosomes. This frequency is not significantly higher than estimated for a pathogenic variant in TTN causing Autosomal Recessive Titinopathy (1.2e-05 vs 0.00039), allowing no conclusion about variant significance. To our knowledge, no occurrence of c.70108T>A in individuals affected with Autosomal Recessive Titinopathy and no experimental evidence demonstrating its impact on protein function have been reported. ClinVar contains an entry for this variant (Variation ID: 515673). Based on the evidence outlined above, the variant was classified as uncertain significance.

GeneDx
Classification: Likely benign. Last evaluated: 2018-02-28. Review status: criteria provided, single submitter. Criteria: GeneDx Variant Classification (06012015). Collection method: clinical testing. Allele origin: germline. Affected: yes.
Comment: This variant is considered likely benign or benign based on one or more of the following criteria: it is a conservative change, it occurs at a poorly conserved position in the protein, it is predicted to be benign by multiple in silico algorithms, and/or has population frequency not consistent with disease.

NM_001267550.2(TTN):c.77812T>A (p.Trp25938Arg)

Genes: TTN (titin; minus strand), TTN-AS1 (TTN antisense RNA 1; plus strand). Cytogenetic location: 2q31.2.
Variant type: single nucleotide variant.
Coding change: c.77812T>A on transcript NM_001267550.2 (MANE Select); coding-DNA position 77812, T replaced by A.
Protein change: p.Trp25938Arg; replaces tryptophan 25938 with arginine.
Molecular consequence: missense variant.
Genome position (GRCh38, 1-based): chr2:178,568,320, A>T on the plus strand (T>A on the coding strand, the complement: TTN is on the minus strand). VCF-style: chr2-178568320-A-T. GRCh37 (hg19) VCF-style: chr2-179433047-A-T.
Other names: c.72889T>A, p.Trp24297Arg (NM_001256850.1); c.50617T>A, p.Trp16873Arg (NM_003319.4); c.70108T>A, p.Trp23370Arg (NM_133378.4); c.50992T>A, p.Trp16998Arg (NM_133432.3); c.51193T>A, p.Trp17065Arg (NM_133437.4); short protein forms W24297R, W25938R, W17065R, W23370R, W16873R, W16998R.
Identifiers: ClinVar variation 515673 (VCV000515673.2), dbSNP rs1052501136, ClinGen allele CA60991870.